The following is an entry in ClinVar:

ClinVar aggregate classification (germline): Uncertain significance (1 of 4 stars; one submission).

Conditions:
Baller-Gerold syndrome (BGS). Also called: CRANIOSYNOSTOSIS WITH RADIAL DEFECTS. Identifiers: Orphanet 1225, MedGen C0265308, MONDO:0009039, OMIM 218600.

Allele frequency attached by ClinVar (database versions not stated): gnomAD exomes below 0.00001.

Submission:

Labcorp Genetics (formerly Invitae), Labcorp
Classification: Uncertain significance for Baller-Gerold syndrome. Last evaluated: 2023-04-11. Review status: criteria provided, single submitter. Criteria: Invitae Variant Classification Sherloc (09022015). Collection method: clinical testing. Allele origin: germline.
Comment: This variant has not been reported in the literature in individuals affected with RECQL4-related conditions. This variant is not present in population databases (gnomAD no frequency). This sequence change replaces arginine, which is basic and polar, with threonine, which is neutral and polar, at codon 1072 of the RECQL4 protein (p.Arg1072Thr). In summary, the available evidence is currently insufficient to determine the role of this variant in disease. Therefore, it has been classified as a Variant of Uncertain Significance. Advanced modeling of protein sequence and biophysical properties (such as structural, functional, and spatial information, amino acid conservation, physicochemical variation, residue mobility, and thermodynamic stability) performed at Invitae indicates that this missense variant is not expected to disrupt RECQL4 protein function. ClinVar contains an entry for this variant (Variation ID: 1514567).

NM_004260.4(RECQL4):c.3215G>C (p.Arg1072Thr)

Gene: RECQL4 (RecQ like helicase 4; minus strand). Cytogenetic location: 8q24.3.
Variant type: single nucleotide variant.
Coding change: c.3215G>C on transcript NM_004260.4 (MANE Select); coding-DNA position 3215, G replaced by C.
Protein change: p.Arg1072Thr; replaces arginine 1072 with threonine.
Molecular consequence: missense variant.
Genome position (GRCh38, 1-based): chr8:144,512,165, C>G on the plus strand (G>C on the coding strand, the complement: RECQL4 is on the minus strand). VCF-style: chr8-144512165-C-G. GRCh37 (hg19) VCF-style: chr8-145737548-C-G.
Other names: short protein forms R1072T.
Identifiers: ClinVar variation 1514567 (VCV001514567.6), dbSNP rs2130657787, ClinGen allele CA372669780.